The following is an entry in ClinVar:

NM_001042492.3(NF1):c.5520_5521dup (p.Gln1841fs)

Gene: NF1 (neurofibromin 1; plus strand). Cytogenetic location: 17q11.2.
Variant type: Duplication.
Coding change: c.5520_5521dup on transcript NM_001042492.3 (MANE Select); coding-DNA positions 5520 to 5521, 2 bases duplicated (CC; older notation c.5520_5521dupCC).
Protein change: p.Gln1841fs; shifts the reading frame from glutamine 1841.
Molecular consequence: frameshift variant.
Genome position (GRCh38, 1-based): chr17:31,327,750-31,327,751, CC duplicated; duplicating any 2 consecutive bases within chr17:31,327,747-31,327,751 gives the same sequence; the c. name uses the placement nearest the transcript's 3' end. VCF-style (leftmost placement, unchanged base first): chr17-31327746-T-TCC. GRCh37 (hg19) VCF-style: chr17-29654764-T-TCC.
Other names: c.5457_5458dup, p.Gln1820fs (NM_000267.4); short protein forms Q1820fs, Q1841fs.
Identifiers: ClinVar variation 4714602 (VCV004714602.1).

ClinVar aggregate classification (germline): Pathogenic (1 of 4 stars; one submission).

Conditions:
Neurofibromatosis, type 1 (NF1). Also called: VON RECKLINGHAUSEN DISEASE; Peripheral type neurofibromatosis; NEUROFIBROMATOSIS, TYPE I, SOMATIC; Neurofibromatosis, type I. Identifiers: Orphanet 636, MedGen C0027831, MONDO:0018975, OMIM 162200. Disease mechanism: loss of function.

Submission:

Labcorp Genetics (formerly Invitae), Labcorp
Classification: Pathogenic for Neurofibromatosis, type 1. Last evaluated: 2025-03-12. Review status: criteria provided, single submitter. Criteria: Invitae Variant Classification Sherloc (09022015). Collection method: clinical testing. Allele origin: germline.
Comment: This sequence change creates a premature translational stop signal (p.Gln1820Profs*23) in the NF1 gene. It is expected to result in an absent or disrupted protein product. Loss-of-function variants in NF1 are known to be pathogenic (PMID: 10712197, 23913538). This variant is not present in population databases (gnomAD no frequency). This variant has not been reported in the literature in individuals affected with NF1-related conditions. For these reasons, this variant has been classified as Pathogenic.

Literature cited by the submitters: PubMed 10712197; PubMed 23913538.